The following is an entry in ClinVar:

ClinVar aggregate classification (germline): Uncertain significance (1 of 4 stars; one submission).

gnomAD v4.1: 1 of 1,611,828 alleles (0.000062%); highest among the groups gnomAD compares: African/African-American, 0.0013%; no homozygotes.

Submission:

Labcorp Genetics (formerly Invitae), Labcorp
Classification: Uncertain significance. Last evaluated: 2025-03-23. Review status: criteria provided, single submitter. Criteria: Invitae Variant Classification Sherloc (09022015). Collection method: clinical testing. Allele origin: germline.
Comment: This sequence change replaces lysine, which is basic and polar, with asparagine, which is neutral and polar, at codon 314 of the LIPI protein (p.Lys314Asn). This variant is not present in population databases (gnomAD no frequency). This variant has not been reported in the literature in individuals affected with LIPI-related conditions. An algorithm developed to predict the effect of missense changes on protein structure and function outputs the following: PolyPhen-2: "Benign". The asparagine amino acid residue is found in multiple mammalian species, which suggests that this missense change does not adversely affect protein function. In summary, the available evidence is currently insufficient to determine the role of this variant in disease. Therefore, it has been classified as a Variant of Uncertain Significance.

NM_001302998.2(LIPI):c.879G>C (p.Lys293Asn)

Gene: LIPI (lipase I; minus strand). Cytogenetic location: 21q11.2.
Variant type: single nucleotide variant.
Coding change: c.879G>C on transcript NM_001302998.2 (MANE Select); coding-DNA position 879, G replaced by C.
Protein change: p.Lys293Asn; replaces lysine 293 with asparagine.
Molecular consequence: missense variant.
Genome position (GRCh38, 1-based): chr21:14,165,245, C>G on the plus strand (G>C on the coding strand, the complement: LIPI is on the minus strand). VCF-style: chr21-14165245-C-G. GRCh37 (hg19) VCF-style: chr21-15537566-C-G.
Other names: c.789G>C, p.Lys263Asn (NM_001302999.2); c.879G>C, p.Lys293Asn (NM_001303000.2, NM_001303001.2); c.774G>C, p.Lys258Asn (NM_001379565.1); c.384G>C, p.Lys128Asn (NM_001379566.1); c.744G>C, p.Lys248Asn (NM_198996.4); short protein forms K248N, K258N, K293N, K263N, K128N.
Identifiers: ClinVar variation 4782055 (VCV004782055.1).
Genomic context (GRCh38, chr21:14,165,245, plus strand): 5'-TAAATAAGAATGATAGTAACTATAATAATCTCTCTTACCCAGCCGAGGACATGATTTTTC[C>G]TTAAAACAGTCACAGTCCACACATAAGCTAGTCTTGTAATCTTTGTATGAACGACAAGGA-3'
Protein context (NP_001289927.1, residues 283-303): TSLCVDCDCF[Lys293Asn]EKSCPRLGYQ